The following is an entry in ClinVar:

ClinVar aggregate classification (germline): Pathogenic (1 of 4 stars; one submission).

Conditions:
Nephronophthisis 18 (NPHP18). Identifiers: Orphanet 655, MedGen C3890591, MONDO:0014374, OMIM 615862.

Submission:

Labcorp Genetics (formerly Invitae), Labcorp
Classification: Pathogenic for Nephronophthisis 18. Last evaluated: 2025-07-03. Review status: criteria provided, single submitter. Criteria: Invitae Variant Classification Sherloc (09022015). Collection method: clinical testing. Allele origin: germline.
Comment: This sequence change creates a premature translational stop signal (p.Met105Thrfs*29) in the CEP83 gene. It is expected to result in an absent or disrupted protein product. Loss-of-function variants in CEP83 are known to be pathogenic (PMID: 23530209, 24882706). This variant is not present in population databases (gnomAD no frequency). This variant has not been reported in the literature in individuals affected with CEP83-related conditions. For these reasons, this variant has been classified as Pathogenic.

Literature cited by the submitters: PubMed 23530209; PubMed 24882706.

NM_016122.3(CEP83):c.314_318del (p.Met105fs)

Gene: CEP83 (centrosomal protein 83; minus strand). Cytogenetic location: 12q22.
Variant type: Deletion.
Coding change: c.314_318del on transcript NM_016122.3 (MANE Select); coding-DNA positions 314 to 318, 5 bases deleted (TGAAA; older notation c.314_318delTGAAA).
Protein change: p.Met105fs; shifts the reading frame from methionine 105.
Molecular consequence: frameshift variant. On other transcripts: initiator codon variant (6), non-coding transcript variant (3).
Genome position (GRCh38, 1-based): chr12:94,411,703-94,411,707, TTTCA deleted on the plus strand (TGAAA on the coding strand, the reverse complement: CEP83 is on the minus strand); deleting any 5 consecutive bases within chr12:94,411,703-94,411,711 gives the same sequence; the c. name uses the placement nearest the transcript's 3' end. VCF-style (leftmost placement, unchanged base first): chr12-94411702-GTTTCA-G. GRCh37 (hg19) VCF-style: chr12-94805478-GTTTCA-G.
Other names: c.314_318del, p.Met105fs (NM_001042399.2, NM_001346457.2, NM_001346460.2 and 4 more transcripts); c.2_6del, p.Met1fs (NM_001346458.2, NM_001346459.2, NM_001346462.2 and 3 more transcripts); short protein forms M105fs, M1fs.
Identifiers: ClinVar variation 4761876 (VCV004761876.1).